The following is an entry in ClinVar:

ClinVar aggregate classification (germline): Benign (1 of 4 stars; one submission).

Conditions:
Juvenile polyposis syndrome (JPS). Identifiers: Orphanet 2929, MedGen C0345893, MONDO:0017380, OMIM 174900.

Submission:

Myriad Genetics, Inc.
Classification: Benign for Juvenile polyposis syndrome. Last evaluated: 2024-07-31. Review status: criteria provided, single submitter. Criteria: Myriad Autosomal Dominant, Autosomal Recessive and X-Linked Classification Criteria (2023). Collection method: clinical testing. Allele origin: unknown.
Comment: This variant is considered benign. This variant is intronic and is not expected to impact mRNA splicing.

NM_004329.3(BMPR1A):c.231-33TGTTT[3]

Gene: BMPR1A (bone morphogenetic protein receptor type 1A; plus strand). Cytogenetic location: 10q23.2.
Variant type: Microsatellite.
Coding change: c.231-33TGTTT[3] on transcript NM_004329.3 (MANE Select); three copies in a row of the 5-base unit TGTTT starting at c.231-33.
Molecular consequence: intron variant.
Genome position: GRCh38 VCF-style: chr10-86892093-ATGTTT-A. GRCh37 (hg19) VCF-style: chr10-88651850-ATGTTT-A.
Other names: c.231-33TGTTT[3] (NM_001406562.1, NM_001406568.1, NM_001406567.1 and 23 more transcripts); c.147-33TGTTT[3] (NM_001406584.1, NM_001406588.1, NM_001406587.1 and 2 more transcripts).
Identifiers: ClinVar variation 3378452 (VCV003378452.1).